The following is an entry in ClinVar:

NM_001256627.2(BRSK2):c.2156C>A (p.Thr719Lys)

Gene: BRSK2 (BR serine/threonine kinase 2; plus strand). Cytogenetic location: 11p15.5.
Variant type: single nucleotide variant.
Coding change: c.2156C>A on transcript NM_001256627.2 (MANE Select); coding-DNA position 2156, C replaced by A.
Protein change: p.Thr719Lys; replaces threonine 719 with lysine.
Molecular consequence: missense variant. On other transcripts: intron variant (3).
Genome position (GRCh38, 1-based): chr11:1,460,668, C>A. VCF-style: chr11-1460668-C-A. GRCh37 (hg19) VCF-style: chr11-1481898-C-A.
Other names: c.2156C>A (NM_001256627.1); c.2246C>A, p.Thr749Lys (NM_001256630.1); c.*10-302C>A (NM_001256629.2, NM_001282218.2); c.1988-302C>A (NM_003957.4); short protein forms T719K, T749K.
Identifiers: ClinVar variation 2641346 (VCV002641346.26), dbSNP rs556602754, ClinGen allele CA5811496.
Genomic context (GRCh38, chr11:1,460,668, plus strand): 5'-GCCCACTCGGTGACTCCGCGGCCGCTGGCCCTGGCCCCGGAGGGGACGCCGAGTACCCAA[C>A]GGGCAAGGACACGGCCAAGATGGGCCCGCCCACCGCCCGCCGCGAGCAGCCTTAGACACA-3'
Protein context (NP_001243556.1, residues 709-729): PGPGGDAEYP[Thr719Lys]GKDTAKMGPP

ClinVar aggregate classification (germline): Benign/Likely benign. Review status: criteria provided, multiple submitters, no conflicts (2 of 4 stars). 3 submissions from 3 submitters: Benign (1); Likely benign (1). 1 of the submissions does not count toward it. Last evaluated 2024-10-30.

Conditions:
BRSK2-related disorder. Also called: BRSK2-related condition; BRSK2-Related Disorders.

Allele frequency attached by ClinVar (database versions not stated): 1000 Genomes Project 0.00040; 1000 Genomes Project 30x 0.00109.
gnomAD v4.1: 2,227 of 1,524,504 alleles (0.15%); highest among the groups gnomAD compares: Non-Finnish European, 0.18%; 4 homozygotes.

Submissions (3):

Blueprint Genetics
Classification: Likely benign. Last evaluated: 2024-10-30. Review status: criteria provided, single submitter. Criteria: ACMG Guidelines, 2015. Collection method: clinical testing. Allele origin: germline.

CeGaT Center for Human Genetics Tuebingen
Classification: Benign. Last evaluated: 2024-03-01. Review status: criteria provided, single submitter. Criteria: CeGaT Center For Human Genetics Tuebingen Variant Classification Criteria Version 2. Collection method: clinical testing. Allele origin: germline. Affected: yes. Observed: 3 variant alleles.
Comment: BRSK2: BS1, BS2

PreventionGenetics, part of Exact Sciences
Classification: Likely benign for BRSK2-related condition. Last evaluated: 2024-02-23. Review status: no assertion criteria provided. Collection method: clinical testing. Allele origin: germline. Not counted in ClinVar's aggregate classification.
Comment: This variant is classified as likely benign based on ACMG/AMP sequence variant interpretation guidelines (Richards et al. 2015 PMID: 25741868, with internal and published modifications).